The following is an entry in ClinVar:

ClinVar aggregate classification (germline): Pathogenic/Likely pathogenic. Review status: criteria provided, multiple submitters, no conflicts (2 of 4 stars). 2 submissions from 2 submitters: Pathogenic (1); Likely pathogenic (1). Last evaluated 2025-06-27.

Conditions:
Hyperkalemic periodic paralysis. Also called: Familial hyperkalemic periodic paralysis; Gamstorp disease. Identifiers: Orphanet 682, MedGen C0238357, MONDO:0008224, OMIM 170500, HP:0007215.

Allele frequency attached by ClinVar (database versions not stated): gnomAD exomes below 0.00001.

Submissions (2):

Labcorp Genetics (formerly Invitae), Labcorp
Classification: Pathogenic for Hyperkalemic periodic paralysis. Last evaluated: 2025-06-27. Review status: criteria provided, single submitter. Criteria: Invitae Variant Classification Sherloc (09022015). Collection method: clinical testing. Allele origin: germline.
Comment: This sequence change replaces methionine, which is neutral and non-polar, with valine, which is neutral and non-polar, at codon 1360 of the SCN4A protein (p.Met1360Val). This variant is not present in population databases (gnomAD no frequency). This missense change has been observed in individuals with autosomal dominant SCN4A-related conditions (PMID: 7689382, 9339683, 22926674; internal data). It has also been observed to segregate with disease in related individuals. ClinVar contains an entry for this variant (Variation ID: 21156). Invitae Evidence Modeling of protein sequence and biophysical properties (such as structural, functional, and spatial information, amino acid conservation, physicochemical variation, residue mobility, and thermodynamic stability) has been performed for this missense variant. However, the output from this modeling did not meet the statistical confidence thresholds required to predict the impact of this variant on SCN4A protein function. Experimental studies have shown that this missense change affects SCN4A function (PMID: 9339683, 12562902). For these reasons, this variant has been classified as Pathogenic.

Athena Diagnostics
Classification: Likely pathogenic. Last evaluated: 2023-12-12. Review status: criteria provided, single submitter. Criteria: Athena Diagnostics Criteria. Collection method: clinical testing. Allele origin: unknown.
Comment: This variant has been identified in at least one individual with hyperkalemic periodic paralysis with or without paramyotonia congenita. This variant has not been reported in large, multi-ethnic general populations. Assessment of experimental evidence suggests this variant results in abnormal protein function. (PMID: 9339683, 12562902, 17395131)

Literature cited by the submitters: PubMed 7689382 (cited by Labcorp Genetics (formerly Invitae), Labcorp); PubMed 9339683 (cited by Labcorp Genetics (formerly Invitae), Labcorp and Athena Diagnostics); PubMed 22926674 (cited by Labcorp Genetics (formerly Invitae), Labcorp and Athena Diagnostics); PubMed 12562902 (cited by Labcorp Genetics (formerly Invitae), Labcorp and Athena Diagnostics); PubMed 22016737 (cited by Athena Diagnostics); PubMed 17395131 (cited by Athena Diagnostics); PubMed 23884711 (cited by Athena Diagnostics).

NM_000334.4(SCN4A):c.4078A>G (p.Met1360Val)

Genes: GH-LCR (growth hormone locus control region; plus strand), SCN4A (sodium voltage-gated channel alpha subunit 4; minus strand). Cytogenetic location: 17q23.3.
Variant type: single nucleotide variant.
Coding change: c.4078A>G on transcript NM_000334.4 (MANE Select); coding-DNA position 4078, A replaced by G.
Protein change: p.Met1360Val; replaces methionine 1360 with valine.
Molecular consequence: missense variant.
Genome position (GRCh38, 1-based): chr17:63,943,036, T>C on the plus strand (A>G on the coding strand, the complement: SCN4A is on the minus strand). VCF-style: chr17-63943036-T-C. GRCh37 (hg19) VCF-style: chr17-62020396-T-C.
Other names: short protein forms M1360V.
Identifiers: ClinVar variation 21156 (VCV000021156.13), dbSNP rs80338959, ClinGen allele CA341671.